The following is an entry in ClinVar:

ClinVar aggregate classification (germline): Uncertain significance (1 of 4 stars; one submission).

Conditions:
Inborn genetic diseases. Identifiers: MedGen C0950123, MeSH D030342.

Submission:

Ambry Genetics
Classification: Uncertain significance for Inborn genetic diseases. Last evaluated: 2025-10-18. Review status: criteria provided, single submitter. Criteria: Ambry Variant Classification Scheme 2023. Collection method: clinical testing. Allele origin: germline.
Comment: The c.1178C>G (p.A393G) alteration is located in exon 1 (coding exon 1) of the ARID1B gene. This alteration results from a C to G substitution at nucleotide position 1178, causing the alanine (A) at amino acid position 393 to be replaced by a glycine (G). Based on data from gnomAD, the G allele has an overall frequency of <0.001% (0/3512) total alleles studied. The highest observed frequency was <0.001% (/) of alleles. Based on insufficient or conflicting evidence, the clinical significance of this alteration remains unclear.

NM_020732.3:c.1178C>G

Gene: ARID1B (AT-rich interaction domain 1B; plus strand).
Variant type: single nucleotide variant.
Other names: c.1178C>G (NM_020732.3).
Identifiers: ClinVar variation 4584733 (VCV004584733.1).